The following is an entry in ClinVar:

NM_203446.3(SYNJ1):c.*319G>C

Gene: SYNJ1 (synaptojanin 1; minus strand). Cytogenetic location: 21q22.11.
Variant type: single nucleotide variant.
Coding change: c.*319G>C on transcript NM_203446.3 (MANE Select); 319 bases downstream of the stop codon, G replaced by C.
Molecular consequence: 3 prime UTR variant. On other transcripts: missense variant (2).
Genome position (GRCh38, 1-based): chr21:32,631,486, C>G on the plus strand (G>C on the coding strand, the complement: SYNJ1 is on the minus strand). VCF-style: chr21-32631486-C-G. GRCh37 (hg19) VCF-style: chr21-34003796-C-G.
Other names: c.*319G>C (NM_001160302.2); c.4090G>C, p.Ala1364Pro (NM_001160306.2); c.4348G>C, p.Ala1450Pro (NM_003895.4); short protein forms A1364P, A1450P.
Identifiers: ClinVar variation 1024664 (VCV001024664.12), dbSNP rs565075239, ClinGen allele CA319450066.

ClinVar aggregate classification (germline): Uncertain significance. Review status: criteria provided, multiple submitters, no conflicts (2 of 4 stars). 2 submissions from 2 submitters: Uncertain significance (2). Last evaluated 2025-08-31.

Conditions:
Developmental and epileptic encephalopathy, 53. Also called: Epileptic encephalopathy, early infantile, 53. Identifiers: MedGen C4479313, MONDO:0033362, OMIM 617389.
Early-onset Parkinson disease 20. Also called: PARKINSON DISEASE 20, AUTOSOMAL RECESSIVE EARLY-ONSET. Identifiers: Orphanet 391411, MedGen C3809824, MONDO:0014233, OMIM 615530.
Inborn genetic diseases. Identifiers: MedGen C0950123, MeSH D030342.

Allele frequency attached by ClinVar (database versions not stated): gnomAD exomes below 0.00001 and 0.00001; gnomAD 0.00001; TOPMed 0.00003; 1000 Genomes Project 30x 0.00016; 1000 Genomes Project 0.00020.
gnomAD v4.1: 10 of 1,614,130 alleles (0.00062%); highest among the groups gnomAD compares: Admixed American, 0.0017%; no homozygotes.

Submissions (2):

Ambry Genetics
Classification: Uncertain significance for Inborn genetic diseases. Last evaluated: 2025-08-31. Review status: criteria provided, single submitter. Criteria: Ambry Variant Classification Scheme 2023. Collection method: clinical testing. Allele origin: germline.

Labcorp Genetics (formerly Invitae), Labcorp
Classification: Uncertain significance for Developmental and epileptic encephalopathy, 53; Early-onset Parkinson disease 20. Last evaluated: 2022-07-09. Review status: criteria provided, single submitter. Criteria: Invitae Variant Classification Sherloc (09022015). Collection method: clinical testing. Allele origin: germline.
Comment: This sequence change replaces alanine, which is neutral and non-polar, with proline, which is neutral and non-polar, at codon 1450 of the SYNJ1 protein (p.Ala1450Pro). In summary, the available evidence is currently insufficient to determine the role of this variant in disease. Therefore, it has been classified as a Variant of Uncertain Significance. Algorithms developed to predict the effect of missense changes on protein structure and function output the following: SIFT: "Tolerated"; PolyPhen-2: "Benign"; Align-GVGD: "Class C0". The proline amino acid residue is found in multiple mammalian species, which suggests that this missense change does not adversely affect protein function. ClinVar contains an entry for this variant (Variation ID: 1024664). This variant has not been reported in the literature in individuals affected with SYNJ1-related conditions. This variant is not present in population databases (gnomAD no frequency).